The following is an entry in ClinVar:

ClinVar aggregate classification (germline): Likely pathogenic (1 of 4 stars; one submission).

Conditions:
Multiple self-healing squamous epithelioma (MSSE). Also called: MULTIPLE SELF-HEALING SQUAMOUS EPITHELIOMA, SUSCEPTIBILITY TO. Identifiers: Orphanet 65748, MedGen C0546476, MONDO:0007566, OMIM 132800.

Submission:

Baylor Genetics
Classification: Likely pathogenic for Multiple self-healing squamous epithelioma. Last evaluated: 2021-05-25. Review status: criteria provided, single submitter. Criteria: ACMG Guidelines, 2015. Collection method: clinical testing. Allele origin: paternal. Affected: yes. Study: CSER-TexasKidsCanSeq.
Comment: This variant was determined to be likely pathogenic according to ACMG Guidelines, 2015 [PMID:25741868].

NM_004612.4(TGFBR1):c.1059_1062delinsCAATAA (p.Leu354fs)

Gene: TGFBR1 (transforming growth factor beta receptor 1; plus strand). Cytogenetic location: 9q22.33.
Variant type: Indel.
Coding change: c.1059_1062delinsCAATAA on transcript NM_004612.4 (MANE Select); coding-DNA positions 1059 to 1062, ACTG replaced by CAATAA.
Protein change: p.Leu354fs; shifts the reading frame from leucine 354.
Molecular consequence: frameshift variant.
Genome position (GRCh38, 1-based): chr9:99,144,817-99,144,820, ACTG replaced by CAATAA. VCF-style: chr9-99144817-ACTG-CAATAA. GRCh37 (hg19) VCF-style: chr9-101907099-ACTG-CAATAA.
Other names: c.828_831delinsCAATAA, p.Leu277fs (NM_001130916.3); c.1071_1074delinsCAATAA, p.Leu358fs (NM_001306210.2); short protein forms L277fs, L354fs, L358fs.
Identifiers: ClinVar variation 1327058 (VCV001327058.1), dbSNP rs2118805586, ClinGen allele CA1139771654.
Genomic context (GRCh38, chr9:99,144,817, plus strand): 5'-TTTGAAATCAAAGAATATCTTGGTAAAGAAGAATGGAACTTGCTGTATTGCAGACTTAGG[ACTG>CAATAA]GCAGTAAGACATGATTCAGCCACAGATACCATTGATATTGCTCCAAACCACAGAGTGGGA-3'